The following is an entry in ClinVar:

ClinVar aggregate classification (germline): Uncertain significance (1 of 4 stars; one submission).

Conditions:
Inborn genetic diseases. Identifiers: MedGen C0950123, MeSH D030342.

Submission:

Ambry Genetics
Classification: Uncertain significance for Inborn genetic diseases. Last evaluated: 2026-07-06. Review status: criteria provided, single submitter. Criteria: Ambry Variant Classification Scheme 2023. Collection method: clinical testing. Allele origin: germline.
Comment: The p.W146S variant (also known as c.437G>C), located in coding exon 1 of the WT1 gene, results from a G to C substitution at nucleotide position 437. The tryptophan at codon 146 is replaced by serine, an amino acid with highly dissimilar properties. This amino acid position is conserved. In addition, the in silico prediction for this alteration is inconclusive. Based on the available evidence, the clinical significance of this variant remains unclear.

NM_024426.6(WT1):c.452G>C (p.Trp151Ser)

Genes: WT1 (WT1 transcription factor; minus strand), LOC107982234 (WT1/WT1-AS bi-directional promoter region; plus strand). Cytogenetic location: 11p13.
Variant type: single nucleotide variant.
Coding change: c.452G>C on transcript NM_024426.6 (MANE Select); coding-DNA position 452, G replaced by C.
Protein change: p.Trp151Ser; replaces tryptophan 151 with serine.
Molecular consequence: missense variant. On other transcripts: non-coding transcript variant (2).
Genome position (GRCh38, 1-based): chr11:32,434,909, C>G on the plus strand (G>C on the coding strand, the complement: WT1 is on the minus strand). VCF-style: chr11-32434909-C-G. GRCh37 (hg19) VCF-style: chr11-32456455-C-G.
Other names: c.452G>C, p.Trp151Ser (NM_000378.6, NM_001407044.1, NM_001407045.1 and 6 more transcripts); c.233G>C, p.Trp78Ser (NM_001429031.1, NM_001429032.1, NM_001429033.1 and 1 more transcripts); short protein forms W151S, W146S, W78S.
Identifiers: ClinVar variation 5032032 (VCV005032032.1).
Genomic context (GRCh38, chr11:32,434,909, plus strand): 5'-CCGGAAAAGTGGACAGTGAAGGCGCTCAGGCACTGCTCCTCGTGCGGCTCCGCGCCGCCC[C>G]AGCTCGGCTCCTGTTTGATGAAGGAGTGAGGCGGCGGCGGCGGGGGTGGCGGCGGAGCCG-3'
Protein context (NP_077744.4, residues 141-161): PHSFIKQEPS[Trp151Ser]GGAEPHEEQC